The following is an entry in ClinVar:

ClinVar aggregate classification (germline): Uncertain significance. Review status: criteria provided, multiple submitters, no conflicts (2 of 4 stars). 2 submissions from 2 submitters: Uncertain significance (2). Last evaluated 2025-08-20.

Conditions:
Inborn genetic diseases. Identifiers: MedGen C0950123, MeSH D030342.

Allele frequency attached by ClinVar (database versions not stated): gnomAD 0.00003 and 0.00001; TOPMed 0.00003; gnomAD exomes 0.00005 and 0.00001; 1000 Genomes Project 30x 0.00031; 1000 Genomes Project 0.00040; ExAC 0.00002.
gnomAD v4.1: 19 of 1,613,056 alleles (0.0012%); highest among the groups gnomAD compares: East Asian, 0.027%; no homozygotes.

Submissions (2):

Ambry Genetics
Classification: Uncertain significance for Inborn genetic diseases. Last evaluated: 2025-08-20. Review status: criteria provided, single submitter. Criteria: Ambry Variant Classification Scheme 2023. Collection method: clinical testing. Allele origin: germline.

Labcorp Genetics (formerly Invitae), Labcorp
Classification: Uncertain significance. Last evaluated: 2024-10-15. Review status: criteria provided, single submitter. Criteria: Invitae Variant Classification Sherloc (09022015). Collection method: clinical testing. Allele origin: germline.
Comment: This sequence change replaces isoleucine, which is neutral and non-polar, with valine, which is neutral and non-polar, at codon 311 of the TYRP1 protein (p.Ile311Val). This variant is present in population databases (rs568712212, gnomAD 0.05%). This variant has not been reported in the literature in individuals affected with TYRP1-related conditions. ClinVar contains an entry for this variant (Variation ID: 1481646). Invitae Evidence Modeling of protein sequence and biophysical properties (such as structural, functional, and spatial information, amino acid conservation, physicochemical variation, residue mobility, and thermodynamic stability) has been performed for this missense variant. However, the output from this modeling did not meet the statistical confidence thresholds required to predict the impact of this variant on TYRP1 protein function. In summary, the available evidence is currently insufficient to determine the role of this variant in disease. Therefore, it has been classified as a Variant of Uncertain Significance.

NM_000550.3(TYRP1):c.931A>G (p.Ile311Val)

Genes: LURAP1L-AS1 (LURAP1L antisense RNA 1; minus strand), TYRP1 (tyrosinase related protein 1; plus strand). Cytogenetic location: 9p23.
Variant type: single nucleotide variant.
Coding change: c.931A>G on transcript NM_000550.3 (MANE Select); coding-DNA position 931, A replaced by G.
Protein change: p.Ile311Val; replaces isoleucine 311 with valine.
Molecular consequence: missense variant.
Genome position (GRCh38, 1-based): chr9:12,702,288, A>G. VCF-style: chr9-12702288-A-G. GRCh37 (hg19) VCF-style: chr9-12702288-A-G.
Other names: c.931A>G (NM_000550.2); short protein forms I311V.
Identifiers: ClinVar variation 1481646 (VCV001481646.8), dbSNP rs568712212, ClinGen allele CA4985386.